The following is an entry in ClinVar:

NM_001792.5(CDH2):c.2635G>A (p.Gly879Ser)

Genes: CDH2 (cadherin 2; minus strand), CDH2-AS1 (CDH2 antisense RNA 1; plus strand). Cytogenetic location: 18q12.1.
Variant type: single nucleotide variant.
Coding change: c.2635G>A on transcript NM_001792.5 (MANE Select); coding-DNA position 2635, G replaced by A.
Protein change: p.Gly879Ser; replaces glycine 879 with serine.
Molecular consequence: missense variant.
Genome position (GRCh38, 1-based): chr18:27,952,239, C>T on the plus strand (G>A on the coding strand, the complement: CDH2 is on the minus strand). VCF-style: chr18-27952239-C-T. GRCh37 (hg19) VCF-style: chr18-25532203-C-T.
Other names: c.2542G>A, p.Gly848Ser (NM_001308176.2); short protein forms G848S, G879S.
Identifiers: ClinVar variation 2769770 (VCV002769770.3), dbSNP rs2510768401, ClinGen allele CA402101181.

ClinVar aggregate classification (germline): Uncertain significance (1 of 4 stars; one submission).

Submission:

Labcorp Genetics (formerly Invitae), Labcorp
Classification: Uncertain significance. Last evaluated: 2023-10-18. Review status: criteria provided, single submitter. Criteria: Invitae Variant Classification Sherloc (09022015). Collection method: clinical testing. Allele origin: germline.
Comment: This sequence change replaces glycine, which is neutral and non-polar, with serine, which is neutral and polar, at codon 879 of the CDH2 protein (p.Gly879Ser). This variant is not present in population databases (gnomAD no frequency). This variant has not been reported in the literature in individuals affected with CDH2-related conditions. An algorithm developed to predict the effect of missense changes on protein structure and function (PolyPhen-2) suggests that this variant is likely to be tolerated. In summary, the available evidence is currently insufficient to determine the role of this variant in disease. Therefore, it has been classified as a Variant of Uncertain Significance.